The following is an entry in ClinVar:

ClinVar aggregate classification (germline): Likely pathogenic (1 of 4 stars; one submission).

Conditions:
Cardiovascular phenotype. Identifiers: MedGen CN230736.

Submission:

Ambry Genetics
Classification: Likely pathogenic for Cardiovascular phenotype. Last evaluated: 2020-03-31. Review status: criteria provided, single submitter. Criteria: Ambry Variant Classification Scheme 2023. Collection method: clinical testing. Allele origin: germline.
Comment: The c.1128+1G>C intronic variant results from a G to C substitution one nucleotide after coding exon 5 of the KCNH2 gene. This nucleotide position is highly conserved in available vertebrate species. Using the BDGP and ESEfinder splice site prediction tools, this alteration is predicted to abolish the native splice donor site; however, direct evidence is unavailable. Alterations that disrupt the canonical splice site are expected to cause aberrant splicing, resulting in an abnormal protein or a transcript that is subject to nonsense-mediated mRNA decay. As such, this alteration is classified as likely pathogenic.

NM_000238.4(KCNH2):c.1128+1G>C

Gene: KCNH2 (potassium voltage-gated channel subfamily H member 2; minus strand). Cytogenetic location: 7q36.1.
Variant type: single nucleotide variant.
Coding change: c.1128+1G>C on transcript NM_000238.4 (MANE Select); the canonical splice donor site of the intron after coding-DNA position 1128, G replaced by C.
Molecular consequence: splice donor variant.
Genome position (GRCh38, 1-based): chr7:150,957,290, C>G on the plus strand (G>C on the coding strand, the complement: KCNH2 is on the minus strand). VCF-style: chr7-150957290-C-G. GRCh37 (hg19) VCF-style: chr7-150654378-C-G.
Other names: c.840+1G>C (NM_001406753.1, NM_001406756.1); c.1128+1G>C (NM_172056.3); c.951+1G>C (NM_001406755.1); c.828+1G>C (NM_001406757.1).
Identifiers: ClinVar variation 1799488 (VCV001799488.2), dbSNP rs1405113457, ClinGen allele CA369861403.